The following is an entry in ClinVar:

ClinVar aggregate classification (germline): Likely pathogenic (1 of 4 stars; one submission).

Conditions:
Primary ciliary dyskinesia. Also called: Ciliary dyskinesia. Identifiers: Orphanet 244, MedGen C0008780, MONDO:0016575, HP:0012265.

Allele frequency attached by ClinVar (database versions not stated): gnomAD exomes below 0.00001; ExAC 0.00001.
gnomAD v4.1: 1 of 1,612,036 alleles (0.000062%); highest among the groups gnomAD compares: Non-Finnish European, 0.000085%; no homozygotes.

Submission:

Labcorp Genetics (formerly Invitae), Labcorp
Classification: Likely pathogenic for Primary ciliary dyskinesia. Last evaluated: 2021-12-18. Review status: criteria provided, single submitter. Criteria: Invitae Variant Classification Sherloc (09022015). Collection method: clinical testing. Allele origin: germline.
Comment: This sequence change affects an acceptor splice site in intron 62 of the DNAH5 gene. It is expected to disrupt RNA splicing. Variants that disrupt the donor or acceptor splice site typically lead to a loss of protein function (PMID: 16199547), and loss-of-function variants in DNAH5 are known to be pathogenic (PMID: 11788826, 16627867). This variant is present in population databases (rs751641706, gnomAD 0.0009%). This variant has not been reported in the literature in individuals affected with DNAH5-related conditions. Algorithms developed to predict the effect of sequence changes on RNA splicing suggest that this variant may disrupt the consensus splice site. In summary, the currently available evidence indicates that the variant is pathogenic, but additional data are needed to prove that conclusively. Therefore, this variant has been classified as Likely Pathogenic.

Literature cited by the submitters: PubMed 16199547; PubMed 11788826; PubMed 16627867.

NM_001369.3(DNAH5):c.10556-1G>A

Gene: DNAH5 (dynein axonemal heavy chain 5; minus strand). Cytogenetic location: 5p15.2.
Variant type: single nucleotide variant.
Coding change: c.10556-1G>A on transcript NM_001369.3 (MANE Select); the canonical splice acceptor site of the intron before coding-DNA position 10556, G replaced by A.
Molecular consequence: splice acceptor variant.
Genome position (GRCh38, 1-based): chr5:13,753,550, C>T on the plus strand (G>A on the coding strand, the complement: DNAH5 is on the minus strand). VCF-style: chr5-13753550-C-T. GRCh37 (hg19) VCF-style: chr5-13753659-C-T.
Identifiers: ClinVar variation 2046235 (VCV002046235.4), dbSNP rs751641706, ClinGen allele CA3202181.
Genomic context (GRCh38, chr5:13,753,550, plus strand): 5'-GAAACTCTTGGTTAAATGGACCAGAATAAGATAGAAAAGCTGTAGCCAACAGTACATCCC[C>T]TAAAATAGAAAACAAACACCATTGAAATACTTTACGTTCATCCGTGTGATTGTACAGCAT-3'